The following is an entry in ClinVar:

NM_016035.5(COQ4):c.164G>T (p.Gly55Val)

Genes: COQ4 (coenzyme Q4; plus strand), LOC130002704 (ATAC-STARR-seq lymphoblastoid silent region 20335; plus strand). Cytogenetic location: 9q34.11.
Variant type: single nucleotide variant.
Coding change: c.164G>T on transcript NM_016035.5 (MANE Select); coding-DNA position 164, G replaced by T.
Protein change: p.Gly55Val; replaces glycine 55 with valine.
Molecular consequence: missense variant.
Genome position (GRCh38, 1-based): chr9:128,323,109, G>T. VCF-style: chr9-128323109-G-T. GRCh37 (hg19) VCF-style: chr9-131085388-G-T.
Other names: c.164G>T, p.Gly55Val (NM_001305942.2); short protein forms G55V.
Identifiers: ClinVar variation 3899276 (VCV003899276.2).

ClinVar aggregate classification (germline): Uncertain significance. Review status: criteria provided, multiple submitters, no conflicts (2 of 4 stars). 2 submissions from 2 submitters: Uncertain significance (2). Last evaluated 2024-08-14.

Conditions:
Spastic ataxia 10, autosomal recessive (SPAX10). Identifiers: MedGen C5882738, MONDO:0958009, OMIM 620666.

Submissions (2):

Department of Clinical Genetics, Copenhagen University Hospital, Rigshospitalet
Classification: Uncertain significance for Spastic ataxia 10, autosomal recessive. Last evaluated: 2024-08-14. Review status: criteria provided, single submitter. Criteria: ACMG Guidelines, 2015. Collection method: clinical testing. Allele origin: germline.
Comment: PP3_Sup, PM2_Sup

Blueprint Genetics
Classification: Uncertain significance. Last evaluated: 2023-10-12. Review status: criteria provided, single submitter. Criteria: ACMG Guidelines, 2015. Collection method: clinical testing. Allele origin: germline.

Literature cited by the submitters: PubMed 30847826 (cited by Department of Clinical Genetics, Copenhagen University Hospital, Rigshospitalet).